The following is an entry in ClinVar:

NM_002693.3(POLG):c.3140G>A (p.Arg1047Gln)

Gene: POLG (DNA polymerase gamma, catalytic subunit; minus strand). Cytogenetic location: 15q26.1.
Variant type: single nucleotide variant.
Coding change: c.3140G>A on transcript NM_002693.3 (MANE Select); coding-DNA position 3140, G replaced by A.
Protein change: p.Arg1047Gln; replaces arginine 1047 with glutamine.
Molecular consequence: missense variant.
Genome position (GRCh38, 1-based): chr15:89,319,064, C>T on the plus strand (G>A on the coding strand, the complement: POLG is on the minus strand). VCF-style: chr15-89319064-C-T. GRCh37 (hg19) VCF-style: chr15-89862295-C-T.
Other names: c.3140G>A, p.Arg1047Gln (NM_001126131.2); short protein forms R1047Q.
Identifiers: ClinVar variation 449150 (VCV000449150.34), dbSNP rs768028281, ClinGen allele CA7724225.

ClinVar aggregate classification (germline): Uncertain significance. Review status: criteria provided, multiple submitters, no conflicts (2 of 4 stars). 3 submissions from 3 submitters: Uncertain significance (3). Last evaluated 2024-12-15.

Conditions:
Progressive sclerosing poliodystrophy (MTDPS4A). Also called: Alpers-Huttenlocher Syndrome (AHS); NEURONAL DEGENERATION OF CHILDHOOD WITH LIVER DISEASE, PROGRESSIVE; ALPERS DIFFUSE DEGENERATION OF CEREBRAL GRAY MATTER WITH HEPATIC CIRRHOSIS; Alpers-Huttenlocher Syndrome; Mitochondrial DNA depletion syndrome 4A (Alpers type); Alpers Syndrome. Identifiers: Orphanet 726, MedGen C0205710, MONDO:0008758, OMIM 203700.

Allele frequency attached by ClinVar (database versions not stated): gnomAD exomes below 0.00001 and 0.00001; ExAC 0.00001; gnomAD 0.00001; TOPMed 0.00002.
gnomAD v4.1: 6 of 1,614,050 alleles (0.00037%); highest among the groups gnomAD compares: African/African-American, 0.0013%; no homozygotes.

Submissions (3):

Labcorp Genetics (formerly Invitae), Labcorp
Classification: Uncertain significance for Progressive sclerosing poliodystrophy. Last evaluated: 2024-12-15. Review status: criteria provided, single submitter. Criteria: Invitae Variant Classification Sherloc (09022015). Collection method: clinical testing. Allele origin: germline.
Comment: This sequence change replaces arginine, which is basic and polar, with glutamine, which is neutral and polar, at codon 1047 of the POLG protein (p.Arg1047Gln). This variant is present in population databases (rs768028281, gnomAD 0.007%). This missense change has been observed in individual(s) with progressive external ophthalmoplegia (PMID: 12707443). ClinVar contains an entry for this variant (Variation ID: 449150). Invitae Evidence Modeling of protein sequence and biophysical properties (such as structural, functional, and spatial information, amino acid conservation, physicochemical variation, residue mobility, and thermodynamic stability) has been performed for this missense variant. However, the output from this modeling did not meet the statistical confidence thresholds required to predict the impact of this variant on POLG protein function. In summary, the available evidence is currently insufficient to determine the role of this variant in disease. Therefore, it has been classified as a Variant of Uncertain Significance.

GeneDx
Classification: Uncertain significance. Last evaluated: 2024-07-24. Review status: criteria provided, single submitter. Criteria: GeneDx Variant Classification Process June 2021. Collection method: clinical testing. Allele origin: germline. Affected: yes.
Comment: Not observed at significant frequency in large population cohorts (gnomAD); In silico analysis indicates that this missense variant does not alter protein structure/function; This variant is associated with the following publications: (PMID: 15913923, 34426522, 27475922, 12707443)

CeGaT Center for Human Genetics Tuebingen
Classification: Uncertain significance. Last evaluated: 2023-06-01. Review status: criteria provided, single submitter. Criteria: CeGaT Center For Human Genetics Tuebingen Variant Classification Criteria Version 2. Collection method: clinical testing. Allele origin: germline. Affected: yes. Observed: 1 variant allele.
Comment: POLG: PM2

Literature cited by the submitters: PubMed 12707443 (cited by Labcorp Genetics (formerly Invitae), Labcorp).